The following is an entry in ClinVar:

ClinVar aggregate classification (germline): Uncertain significance (1 of 4 stars; one submission).

Allele frequency attached by ClinVar (database versions not stated): gnomAD exomes 0.00002; 1000 Genomes Project 30x 0.00031.

Submission:

Labcorp Genetics (formerly Invitae), Labcorp
Classification: Uncertain significance. Last evaluated: 2024-01-15. Review status: criteria provided, single submitter. Criteria: Invitae Variant Classification Sherloc (09022015). Collection method: clinical testing. Allele origin: germline.
Comment: This sequence change replaces alanine, which is neutral and non-polar, with valine, which is neutral and non-polar, at codon 1142 of the DHX38 protein (p.Ala1142Val). This variant is present in population databases (rs77172371, gnomAD 0.008%). This variant has not been reported in the literature in individuals affected with DHX38-related conditions. ClinVar contains an entry for this variant (Variation ID: 1038983). Advanced modeling of protein sequence and biophysical properties (such as structural, functional, and spatial information, amino acid conservation, physicochemical variation, residue mobility, and thermodynamic stability) performed at Invitae indicates that this missense variant is not expected to disrupt DHX38 protein function with a negative predictive value of 80%. In summary, the available evidence is currently insufficient to determine the role of this variant in disease. Therefore, it has been classified as a Variant of Uncertain Significance.

NM_014003.4(DHX38):c.3425C>T (p.Ala1142Val)

Gene: DHX38 (DEAH-box helicase 38; plus strand). Cytogenetic location: 16q22.2.
Variant type: single nucleotide variant.
Coding change: c.3425C>T on transcript NM_014003.4 (MANE Select); coding-DNA position 3425, C replaced by T.
Protein change: p.Ala1142Val; replaces alanine 1142 with valine.
Molecular consequence: missense variant.
Genome position (GRCh38, 1-based): chr16:72,109,458, C>T. VCF-style: chr16-72109458-C-T. GRCh37 (hg19) VCF-style: chr16-72143357-C-T.
Other names: short protein forms A1142V.
Identifiers: ClinVar variation 1038983 (VCV001038983.7), dbSNP rs77172371, ClinGen allele CA8160971.
Genomic context (GRCh38, chr16:72,109,458, plus strand): 5'-TGCCCTTCTGCCCGCAGGAGTATATGCAGTGTGTGACCGCTGTGGACGGGGAGTGGCTGG[C>T]GGAGCTGGGCCCCATGTTCTATAGCGTGAAACAGGCGGGCAAGTCACGGCAGGTGAGGAT-3'
Protein context (NP_054722.2, residues 1132-1152): CVTAVDGEWL[Ala1142Val]ELGPMFYSVK